The following is an entry in ClinVar:

NM_005055.5(RAPSN):c.607A>T (p.Lys203Ter)

Gene: RAPSN (receptor associated protein of the synapse; minus strand). Cytogenetic location: 11p11.2.
Variant type: single nucleotide variant.
Coding change: c.607A>T on transcript NM_005055.5 (MANE Select); coding-DNA position 607, A replaced by T.
Protein change: p.Lys203Ter; replaces lysine 203 with a stop codon.
Molecular consequence: nonsense. On other transcripts: intron variant (4).
Genome position (GRCh38, 1-based): chr11:47,442,739, T>A on the plus strand (A>T on the coding strand, the complement: RAPSN is on the minus strand). VCF-style: chr11-47442739-T-A. GRCh37 (hg19) VCF-style: chr11-47464291-T-A.
Other names: c.607A>T, p.Lys203Ter (NM_001440490.1, NM_001440491.1, NM_001440492.1 and 8 more transcripts); c.268A>T, p.Lys90Ter (NM_001440504.1); c.532-818A>T (NM_001440503.1, NM_001440493.1, NM_001440502.1 and 1 more transcripts); short protein forms K203*, K90*.
Identifiers: ClinVar variation 5016081 (VCV005016081.1).

ClinVar aggregate classification (germline): Pathogenic (1 of 4 stars; one submission).

Conditions:
RAPSN-related disorder. Also called: RAPSN-related condition; RAPSN-related disorders. Identifiers: MedGen CN239397.

Submission:

Myriad Genetics, Inc.
Classification: Pathogenic for RAPSN-related disorder. Last evaluated: 2026-06-28. Review status: criteria provided, single submitter. Criteria: Myriad Autosomal Dominant, Autosomal Recessive and X-Linked Classification Criteria (2023). Collection method: clinical testing. Allele origin: unknown.
Comment: NM_005055.4(RAPSN):c.607A>T(K203*) is expected to be pathogenic in the context of RAPSN-related disorders. This variant is predicted to lead to an abnormal or absent protein product due to the creation of a premature termination codon in RAPSN, a gene where loss-of-function variants are known to be pathogenic. Please note: this variant was assessed in the context of healthy population screening.